The following is an entry in ClinVar:

ClinVar aggregate classification (germline): Uncertain significance. Review status: criteria provided, multiple submitters, no conflicts (2 of 4 stars). 2 submissions from 2 submitters: Uncertain significance (2). Last evaluated 2025-12-17.

Submissions (2):

Labcorp Genetics (formerly Invitae), Labcorp
Classification: Uncertain significance. Last evaluated: 2025-12-17. Review status: criteria provided, single submitter. Criteria: Invitae Variant Classification Sherloc (09022015). Collection method: clinical testing. Allele origin: germline.
Comment: This sequence change replaces arginine, which is basic and polar, with lysine, which is basic and polar, at codon 1101 of the ZNF687 protein (p.Arg1101Lys). This variant is not present in population databases (gnomAD no frequency). This variant has not been reported in the literature in individuals affected with ZNF687-related conditions. ClinVar contains an entry for this variant (Variation ID: 3988962). An algorithm developed to predict the effect of missense changes on protein structure and function (PolyPhen-2) suggests that this variant is likely to be tolerated. In summary, the available evidence is currently insufficient to determine the role of this variant in disease. Therefore, it has been classified as a Variant of Uncertain Significance.

Ambry Genetics
Classification: Uncertain significance. Last evaluated: 2025-06-11. Review status: criteria provided, single submitter. Criteria: Ambry Variant Classification Scheme 2023. Collection method: clinical testing. Allele origin: germline.

NM_020832.3(ZNF687):c.3302G>A (p.Arg1101Lys)

Gene: ZNF687 (zinc finger protein 687; plus strand). Cytogenetic location: 1q21.3.
Variant type: single nucleotide variant.
Coding change: c.3302G>A on transcript NM_020832.3 (MANE Select); coding-DNA position 3302, G replaced by A.
Protein change: p.Arg1101Lys; replaces arginine 1101 with lysine.
Molecular consequence: missense variant.
Genome position (GRCh38, 1-based): chr1:151,290,797, G>A. VCF-style: chr1-151290797-G-A. GRCh37 (hg19) VCF-style: chr1-151263273-G-A.
Other names: c.3302G>A, p.Arg1101Lys (NM_001304763.2, NM_001304764.2); short protein forms R1101K.
Identifiers: ClinVar variation 3988962 (VCV003988962.2).
Genomic context (GRCh38, chr1:151,290,797, plus strand): 5'-AGTCTTCTGACTCTTGCAGTGAGGAGCCTGACAGCACGACACCGCCAGCCAAGTCCCCCA[G>A]GGGCGGACCTGGATCTGGAGGCCATGGCCCTCTGCGCTACCGGAGCAGCAGCTCCACAGA-3'
Protein context (NP_065883.1, residues 1091-1111): DSTTPPAKSP[Arg1101Lys]GGPGSGGHGP